The following is an entry in ClinVar:

NM_025144.4(ALPK1):c.2614C>T (p.His872Tyr)

Gene: ALPK1 (alpha kinase 1; plus strand). Cytogenetic location: 4q25.
Variant type: single nucleotide variant.
Coding change: c.2614C>T on transcript NM_025144.4 (MANE Select); coding-DNA position 2614, C replaced by T.
Protein change: p.His872Tyr; replaces histidine 872 with tyrosine.
Molecular consequence: missense variant.
Genome position (GRCh38, 1-based): chr4:112,432,161, C>T. VCF-style: chr4-112432161-C-T. GRCh37 (hg19) VCF-style: chr4-113353317-C-T.
Other names: c.2614C>T, p.His872Tyr (NM_001102406.2); c.2380C>T, p.His794Tyr (NM_001253884.2); short protein forms H794Y, H872Y.
Identifiers: ClinVar variation 3006633 (VCV003006633.3), dbSNP rs1734591070, ClinGen allele CA357900908.

ClinVar aggregate classification (germline): Uncertain significance (1 of 4 stars; one submission).

Allele frequency attached by ClinVar (database versions not stated): gnomAD exomes below 0.00001; TOPMed below 0.00001.
gnomAD v4.1: 1 of 1,614,204 alleles (0.000062%); highest among the groups gnomAD compares: Admixed American, 0.0017%; no homozygotes.

Submission:

Labcorp Genetics (formerly Invitae), Labcorp
Classification: Uncertain significance. Last evaluated: 2023-09-11. Review status: criteria provided, single submitter. Criteria: Invitae Variant Classification Sherloc (09022015). Collection method: clinical testing. Allele origin: germline.
Comment: In summary, the available evidence is currently insufficient to determine the role of this variant in disease. Therefore, it has been classified as a Variant of Uncertain Significance. This variant is not present in population databases (gnomAD no frequency). This sequence change replaces histidine, which is basic and polar, with tyrosine, which is neutral and polar, at codon 872 of the ALPK1 protein (p.His872Tyr). This variant has not been reported in the literature in individuals affected with ALPK1-related conditions. Advanced modeling of protein sequence and biophysical properties (such as structural, functional, and spatial information, amino acid conservation, physicochemical variation, residue mobility, and thermodynamic stability) performed at Invitae indicates that this missense variant is not expected to disrupt ALPK1 protein function.